The following is an entry in ClinVar:

ClinVar aggregate classification (germline): Pathogenic (1 of 4 stars; one submission).

Conditions:
Salla disease (SD). Also called: Sialuria, Finnish type; N-acetylneuraminic acid (NANA) storage disease (NSD); Infantile sialic acid storage disorder (ISSD); Less Severe FSASD (Salla Disease). Identifiers: Orphanet 309334, Orphanet 834, MedGen C1096903, MONDO:0011449, OMIM 604369.

Submission:

Labcorp Genetics (formerly Invitae), Labcorp
Classification: Pathogenic for Salla disease. Last evaluated: 2023-02-02. Review status: criteria provided, single submitter. Criteria: Invitae Variant Classification Sherloc (09022015). Collection method: clinical testing. Allele origin: unknown.
Comment: For these reasons, this variant has been classified as Pathogenic. This variant disrupts a region of the SLC17A5 protein in which other variant(s) (p.Pro334Arg) have been determined to be pathogenic (PMID: 10581036, 15510212, 15516337, 18399798, 21781115). This suggests that this is a clinically significant region of the protein, and that variants that disrupt it are likely to be disease-causing. This variant has not been reported in the literature in individuals affected with SLC17A5-related conditions. This variant is a gross deletion of the genomic region encompassing exon(s) 7-11 of the SLC17A5 gene, which includes the termination codon. This deletion extends beyond the assayed region for this gene and therefore may encompass additional genes. While this deletion is not anticipated to lead to nonsense mediated decay, it is expected to alter mRNA translation or result in a truncated protein product.

Literature cited by the submitters: PubMed 10581036; PubMed 15510212; PubMed 15516337; PubMed 18399798; PubMed 21781115.

NC_000006.11:g.(?_74304800)_(74331705_?)del

Gene: SLC17A5 (solute carrier family 17 member 5; minus strand). Cytogenetic location: 6q13.
Variant type: Deletion.
Identifiers: ClinVar variation 3245984 (VCV003245984.1).